The following is an entry in ClinVar:

ClinVar aggregate classification (germline): Benign/Likely benign. Review status: criteria provided, multiple submitters, no conflicts (2 of 4 stars). 7 submissions from 7 submitters: Benign (5); Likely benign (1). 1 of the submissions does not count toward it. Last evaluated 2026-01-15.

Conditions:
SYNE2-related disorder. Also called: SYNE2-related condition.
Emery-Dreifuss muscular dystrophy 5, autosomal dominant (EDMD5). Also called: EMERY-DREIFUSS MUSCULAR DYSTROPHY 5. Identifiers: Orphanet 261, MedGen C2751805, MONDO:0013072, OMIM 612999.

Allele frequency attached by ClinVar (database versions not stated): gnomAD exomes 0.00107 and 0.00286; ExAC 0.00347; gnomAD 0.01097 and 0.01198; 1000 Genomes Project 0.01118; 1000 Genomes Project 30x 0.01171; ESP Exome Variant Server 0.01197; TOPMed 0.01311.
gnomAD v4.1: 3,288 of 1,612,470 alleles (0.2%); highest among the groups gnomAD compares: African/African-American, 3.9%; 52 homozygotes.

Submissions (7):

Labcorp Genetics (formerly Invitae), Labcorp
Classification: Benign for Emery-Dreifuss muscular dystrophy 5, autosomal dominant. Last evaluated: 2026-01-15. Review status: criteria provided, single submitter. Criteria: Invitae Variant Classification Sherloc (09022015). Collection method: clinical testing. Allele origin: germline.

PreventionGenetics, part of Exact Sciences
Classification: Benign for SYNE2-related condition. Last evaluated: 2025-08-05. Review status: criteria provided, single submitter. Criteria: ACMG Guidelines, 2015. Collection method: clinical testing. Allele origin: germline.
Comment: This variant is classified as benign based on ACMG/AMP sequence variant interpretation guidelines (Richards et al. 2015 PMID: 25741868, with internal and published modifications).

Athena Diagnostics
Classification: Benign. Last evaluated: 2024-08-01. Review status: criteria provided, single submitter. Criteria: Athena Diagnostics Criteria. Collection method: clinical testing. Allele origin: unknown.

Fulgent Genetics
Classification: Likely benign for Emery-Dreifuss muscular dystrophy 5, autosomal dominant. Last evaluated: 2022-01-13. Review status: criteria provided, single submitter. Criteria: ACMG Guidelines, 2015. Collection method: clinical testing. Allele origin: unknown.

Illumina Laboratory Services, Illumina
Classification: Benign for Emery-Dreifuss muscular dystrophy 5, autosomal dominant. Last evaluated: 2018-01-13. Review status: criteria provided, single submitter. Criteria: ICSL Variant Classification Criteria 13 December 2019. Collection method: clinical testing. Allele origin: germline.
Comment: This variant was observed in the ICSL laboratory as part of a predisposition screen in an ostensibly healthy population. It had not been previously curated by ICSL or reported in the Human Gene Mutation Database (HGMD: prior to June 1st, 2018), and was therefore a candidate for classification through an automated scoring system. Utilizing variant allele frequency, disease prevalence and penetrance estimates, and inheritance mode, an automated score was calculated to assess if this variant is too frequent to cause the disease. Based on the score and internal cut-off values, a variant classified as benign is not then subjected to further curation. The score for this variant resulted in a classification of benign for this disease.

Breakthrough Genomics
Classification: Benign. Review status: criteria provided, single submitter. Criteria: ACMG Guidelines, 2015. Collection method: not provided. Allele origin: germline. Inheritance: Autosomal dominant inheritance. Affected: yes.

Genetic Services Laboratory, University of Chicago
Classification: Likely benign for AllHighlyPenetrant. Review status: no assertion criteria provided. Collection method: clinical testing. Allele origin: germline. Inheritance: Autosomal dominant inheritance. Not counted in ClinVar's aggregate classification.
Comment: Likely benign based on allele frequency in 1000 Genomes Project or ESP global frequency and its presence in a patient with a rare or unrelated disease phenotype. NOT Sanger confirmed.

NM_182914.3(SYNE2):c.9023T>C (p.Ile3008Thr)

Gene: SYNE2 (spectrin repeat containing nuclear envelope protein 2; plus strand). Cytogenetic location: 14q23.2.
Variant type: single nucleotide variant.
Coding change: c.9023T>C on transcript NM_182914.3 (MANE Select); coding-DNA position 9023, T replaced by C.
Protein change: p.Ile3008Thr; replaces isoleucine 3008 with threonine.
Molecular consequence: missense variant.
Genome position (GRCh38, 1-based): chr14:64,052,936, T>C. VCF-style: chr14-64052936-T-C. GRCh37 (hg19) VCF-style: chr14-64519654-T-C.
Other names: c.9023T>C, p.Ile3008Thr (NM_015180.6); short protein forms I3008T.
Identifiers: ClinVar variation 130517 (VCV000130517.26), dbSNP rs115969845, ClinGen allele CA155618.